The following is an entry in ClinVar:

ClinVar aggregate classification (germline): Likely benign. Review status: criteria provided, single submitter (1 of 4 stars). 2 submissions from 2 submitters: Likely benign (1). 1 of the submissions does not count toward it. Last evaluated 2025-08-14.

Conditions:
Papillon-Lefèvre syndrome (PALS). Also called: KERATOSIS PALMOPLANTARIS WITH PERIODONTOPATHIA; Papillon-Lefevre Disease. Identifiers: Orphanet 678, MedGen C0030360, MONDO:0009490, OMIM 245000.
Haim-Munk syndrome (HMS). Also called: COCHIN JEWISH DISORDER; KERATOSIS PALMOPLANTARIS WITH PERIODONTOPATHIA AND ONYCHOGRYPOSIS. Identifiers: Orphanet 2342, MedGen C1855627, MONDO:0009491, OMIM 245010.
Periodontitis, aggressive. Identifiers: MedGen C0031106, MONDO:0980757.
CTSC-related disorder. Also called: CTSC-related condition; CTSC-related disorders. Identifiers: MedGen CN375926, MONDO:0800465.

Allele frequency attached by ClinVar (database versions not stated): gnomAD exomes 0.00003; ExAC 0.00007; ESP Exome Variant Server 0.00015; TOPMed 0.00021; gnomAD 0.00022; 1000 Genomes Project 30x 0.00031; 1000 Genomes Project 0.00040.

Submissions (2):

Labcorp Genetics (formerly Invitae), Labcorp
Classification: Likely benign for Haim-Munk syndrome; Periodontitis, aggressive; Papillon-Lefèvre syndrome. Last evaluated: 2025-08-14. Review status: criteria provided, single submitter. Criteria: Invitae Variant Classification Sherloc (09022015). Collection method: clinical testing. Allele origin: germline.

PreventionGenetics, part of Exact Sciences
Classification: Likely benign for CTSC-related condition. Last evaluated: 2019-07-15. Review status: no assertion criteria provided. Collection method: clinical testing. Allele origin: germline. Not counted in ClinVar's aggregate classification.
Comment: This variant is classified as likely benign based on ACMG/AMP sequence variant interpretation guidelines (Richards et al. 2015 PMID: 25741868, with internal and published modifications).

NM_001814.6(CTSC):c.1392G>A (p.Ter464=)

Gene: CTSC (cathepsin C; minus strand). Cytogenetic location: 11q14.2.
Variant type: single nucleotide variant.
Coding change: c.1392G>A on transcript NM_001814.6 (MANE Select); coding-DNA position 1392, G replaced by A.
Protein change: p.Ter464=.
Molecular consequence: synonymous variant.
Genome position (GRCh38, 1-based): chr11:88,294,006, C>T on the plus strand (G>A on the coding strand, the complement: CTSC is on the minus strand). VCF-style: chr11-88294006-C-T. GRCh37 (hg19) VCF-style: chr11-88027174-C-T.
Identifiers: ClinVar variation 650803 (VCV000650803.10), dbSNP rs143054754, ClinGen allele CA6219707.